The following is an entry in ClinVar:

ClinVar aggregate classification (germline): Pathogenic. Review status: criteria provided, multiple submitters, no conflicts (2 of 4 stars). 3 submissions from 3 submitters: Pathogenic (3). Last evaluated 2025-09-30.

Conditions:
Basal cell nevus syndrome 1 (BCNS1). Also called: GORLIN-GOLTZ SYNDROME; MULTIPLE BASAL CELL NEVI, ODONTOGENIC KERATOCYSTS, AND SKELETAL ANOMALIES. Identifiers: MedGen CN376810, MONDO:0958174, OMIM 109400.
Gorlin syndrome. Also called: Basal cell nevus syndrome; Nevoid Basal Cell Carcinoma Syndrome. Identifiers: Orphanet 377, MedGen C0004779, MONDO:0007187.

Submissions (3):

GeneDx
Classification: Pathogenic. Last evaluated: 2025-09-30. Review status: criteria provided, single submitter. Criteria: GeneDx Variant Classification Process June 2021. Collection method: clinical testing. Allele origin: germline. Affected: yes.
Comment: Nonsense variant predicted to result in protein truncation or nonsense mediated decay in a gene for which loss of function is a known mechanism of disease; Not observed at significant frequency in large population cohorts (gnomAD); This variant is associated with the following publications: (PMID: 25525159, 16909134)

Institute for Genomic Medicine (IGM) Clinical Laboratory, Nationwide Children's Hospital
Classification: Pathogenic for Basal cell nevus syndrome 1. Last evaluated: 2025-03-17. Review status: criteria provided, single submitter. Criteria: ACMG Guidelines, 2015. Collection method: clinical testing. Allele origin: germline.
Comment: This variant is predicted to result in loss of function through nonsense-mediated decay of the encoded transcript or premature truncation of the encoded protein in a gene in which loss of function is a known mechanism of disease (ACMG/AMP: PVS1; PMIDs:30411536, 29575684). This variant has been reported at an elevated frequency in affected individuals/in multiple affected individuals in the literature (ACMG/AMP: PS4_Supporting; PMID:16909134). This variant is absent from or present at an exceedingly low frequency in gnomAD, a large-scale control population database (ACMG/AMP: PM2).

Labcorp Genetics (formerly Invitae), Labcorp
Classification: Pathogenic for Gorlin syndrome. Last evaluated: 2021-04-21. Review status: criteria provided, single submitter. Criteria: Invitae Variant Classification Sherloc (09022015). Collection method: clinical testing. Allele origin: germline.
Comment: This sequence change creates a premature translational stop signal (p.Gln905*) in the PTCH1 gene. It is expected to result in an absent or disrupted protein product. Loss-of-function variants in PTCH1 are known to be pathogenic (PMID: 16301862, 16419085). This variant is not present in population databases (ExAC no frequency). This variant has been observed in individual(s) with nevoid basal cell carcinoma syndrome (PMID: 16909134). For these reasons, this variant has been classified as Pathogenic.

Literature cited by the submitters: PubMed 30411536 (cited by Institute for Genomic Medicine (IGM) Clinical Laboratory, Nationwide Children's Hospital); PubMed 29575684 (cited by Institute for Genomic Medicine (IGM) Clinical Laboratory, Nationwide Children's Hospital); PubMed 16909134 (cited by Institute for Genomic Medicine (IGM) Clinical Laboratory, Nationwide Children's Hospital and Labcorp Genetics (formerly Invitae), Labcorp); PubMed 16301862 (cited by Labcorp Genetics (formerly Invitae), Labcorp); PubMed 16419085 (cited by Labcorp Genetics (formerly Invitae), Labcorp).

NM_000264.5(PTCH1):c.2713C>T (p.Gln905Ter)

Gene: PTCH1 (patched 1; minus strand). Cytogenetic location: 9q22.32.
Variant type: single nucleotide variant.
Coding change: c.2713C>T on transcript NM_000264.5 (MANE Select); coding-DNA position 2713, C replaced by T.
Protein change: p.Gln905Ter; replaces glutamine 905 with a stop codon.
Molecular consequence: nonsense. On other transcripts: non-coding transcript variant (1).
Genome position (GRCh38, 1-based): chr9:95,459,774, G>A on the plus strand (C>T on the coding strand, the complement: PTCH1 is on the minus strand). VCF-style: chr9-95459774-G-A. GRCh37 (hg19) VCF-style: chr9-98222056-G-A.
Other names: c.2713C>T (NM_000264.3); c.2710C>T, p.Gln904Ter (NM_001083603.3); c.2260C>T, p.Gln754Ter (NM_001083604.3, NM_001083605.3, NM_001083606.3 and 1 more transcripts); c.2557C>T, p.Gln853Ter (NM_001354918.2); c.2515C>T, p.Gln839Ter (NM_001083602.3); short protein forms Q754*, Q839*, Q853*, Q904*, Q905*.
Identifiers: ClinVar variation 1074459 (VCV001074459.12), dbSNP rs864622088, ClinGen allele CA374113241.
Genomic context (GRCh38, chr9:95,459,774, plus strand): 5'-CCGTCAGGTAGATGTAGAAAGCGCTGGGATTAATGATGCCATCTGCATCCACCAGACGCT[G>A]TTTAGTCAACTACAAAAACGGGAAGAACAGAGGCCTTTGAGAATGGGGTTGGGGGTAAAC-3'